The following is an entry in ClinVar:

ClinVar aggregate classification (germline): Uncertain significance (1 of 4 stars; one submission).

Conditions:
Inborn genetic diseases. Identifiers: MedGen C0950123, MeSH D030342.

gnomAD v4.1: 2 of 1,542,060 alleles (0.00013%); highest among the groups gnomAD compares: East Asian, 0.0024%; no homozygotes.

Submission:

Ambry Genetics
Classification: Uncertain significance for Inborn genetic diseases. Last evaluated: 2025-11-18. Review status: criteria provided, single submitter. Criteria: Ambry Variant Classification Scheme 2023. Collection method: clinical testing. Allele origin: germline.
Comment: The p.P431S variant (also known as c.1291C>T), located in coding exon 8 of the RUNX1 gene, results from a C to T substitution at nucleotide position 1291. The proline at codon 431 is replaced by serine, an amino acid with similar properties. This amino acid position is conserved. In addition, this alteration is predicted to be tolerated by in silico analysis. Based on the available evidence, the clinical significance of this variant remains unclear.

NM_001754.5(RUNX1):c.1291C>T (p.Pro431Ser)

Gene: RUNX1 (RUNX family transcription factor 1; minus strand). Cytogenetic location: 21q22.12.
Variant type: single nucleotide variant.
Coding change: c.1291C>T on transcript NM_001754.5 (MANE Select); coding-DNA position 1291, C replaced by T.
Protein change: p.Pro431Ser; replaces proline 431 with serine.
Molecular consequence: missense variant.
Genome position (GRCh38, 1-based): chr21:34,792,287, G>A on the plus strand (C>T on the coding strand, the complement: RUNX1 is on the minus strand). VCF-style: chr21-34792287-G-A. GRCh37 (hg19) VCF-style: chr21-36164584-G-A.
Other names: c.1210C>T, p.Pro404Ser (NM_001001890.3); short protein forms P404S, P431S.
Identifiers: ClinVar variation 4629714 (VCV004629714.1).
Genomic context (GRCh38, chr21:34,792,287, plus strand): 5'-CGCTCTGGTTCGGGAGGCTGGGGTTGAGCAGCGCGGAGCCGGTGGAGGCGTTGGTGCAGG[G>A]CGGCAGGATGCGCGGCGGCGAGCGCTCGCCGCCCACCATGGAGAACTGGTAGGAGCCGGC-3'
Protein context (NP_001745.2, residues 421-441): GERSPPRILP[Pro431Ser]CTNASTGSAL